The following is an entry in ClinVar:

NM_052989.3(IFT122):c.1634C>G (p.Thr545Ser)

Gene: IFT122 (intraflagellar transport 122; plus strand). Cytogenetic location: 3q21.3.
Variant type: single nucleotide variant.
Coding change: c.1634C>G on transcript NM_052989.3 (MANE Select); coding-DNA position 1634, C replaced by G.
Protein change: p.Thr545Ser; replaces threonine 545 with serine.
Molecular consequence: missense variant.
Genome position (GRCh38, 1-based): chr3:129,481,675, C>G. VCF-style: chr3-129481675-C-G. GRCh37 (hg19) VCF-style: chr3-129200518-C-G.
Other names: c.1610C>G, p.Thr537Ser (NM_001280541.2); c.1184C>G, p.Thr395Ser (NM_001280545.2); c.1007C>G, p.Thr336Ser (NM_001280546.2); c.1634C>G, p.Thr545Ser (NM_001410808.1, NM_001410809.1); c.1457C>G, p.Thr486Ser (NM_001410810.1, NM_001410811.1, NM_001410813.1 and 1 more transcripts); c.1301C>G, p.Thr434Ser (NM_001410815.1, NM_001410817.1, NM_052990.3); c.1787C>G, p.Thr596Ser (NM_052985.4); short protein forms T537S, T545S, T336S, T395S, T434S, T596S, T486S.
Identifiers: ClinVar variation 1898507 (VCV001898507.5), dbSNP rs528843087, ClinGen allele CA2606234.

ClinVar aggregate classification (germline): Uncertain significance (1 of 4 stars; one submission).

Conditions:
Cranioectodermal dysplasia 1 (CED1). Also called: LEVIN SYNDROME I. Identifiers: Orphanet 1515, MedGen C0432235, MONDO:0021093, OMIM 218330.

Allele frequency attached by ClinVar (database versions not stated): ExAC 0.00001; gnomAD 0.00001; 1000 Genomes Project 30x 0.00016; 1000 Genomes Project 0.00020.
gnomAD v4.1: 1 of 1,614,102 alleles (0.000062%); highest among the groups gnomAD compares: South Asian, 0.0011%; no homozygotes.

Submission:

Labcorp Genetics (formerly Invitae), Labcorp
Classification: Uncertain significance for Cranioectodermal dysplasia 1. Last evaluated: 2022-03-23. Review status: criteria provided, single submitter. Criteria: Invitae Variant Classification Sherloc (09022015). Collection method: clinical testing. Allele origin: germline.
Comment: In summary, the available evidence is currently insufficient to determine the role of this variant in disease. Therefore, it has been classified as a Variant of Uncertain Significance. Algorithms developed to predict the effect of sequence changes on RNA splicing suggest that this variant may create or strengthen a splice site. Algorithms developed to predict the effect of missense changes on protein structure and function (SIFT, PolyPhen-2, Align-GVGD) all suggest that this variant is likely to be tolerated. This variant has not been reported in the literature in individuals affected with IFT122-related conditions. This variant is present in population databases (rs528843087, gnomAD 0.003%). This sequence change replaces threonine, which is neutral and polar, with serine, which is neutral and polar, at codon 596 of the IFT122 protein (p.Thr596Ser).